The following is an entry in ClinVar:

ClinVar aggregate classification (germline): Likely benign. Review status: criteria provided, multiple submitters, no conflicts (2 of 4 stars). 3 submissions from 3 submitters: Likely benign (3). Last evaluated 2025-08-02.

Conditions:
CRB1-related disorder. Also called: CRB1-related condition; CRB1-related disorders.
Leber congenital amaurosis 8 (LCA8). Identifiers: Orphanet 65, MedGen C3151202, MONDO:0013453, OMIM 613835.
Retinitis pigmentosa 12 (RP12). Also called: RP WITH OR WITHOUT PRESERVED PARAARTERIOLE RETINAL PIGMENT EPITHELIUM; RETINITIS PIGMENTOSA WITH OR WITHOUT PARAARTERIOLAR PRESERVATION OF RETINAL PIGMENT EPITHELIUM; RP WITH OR WITHOUT PPRPE. Identifiers: Orphanet 791, MedGen C1838647, MONDO:0010818, OMIM 600105.

Allele frequency attached by ClinVar (database versions not stated): gnomAD exomes below 0.00001; TOPMed 0.00001; gnomAD 0.00002.
gnomAD v4.1: 11 of 1,614,112 alleles (0.00068%); highest among the groups gnomAD compares: Non-Finnish European, 0.00068%; no homozygotes.

Submissions (3):

PreventionGenetics, part of Exact Sciences
Classification: Likely benign for CRB1-related condition. Last evaluated: 2025-08-02. Review status: criteria provided, single submitter. Criteria: ACMG Guidelines, 2015. Collection method: clinical testing. Allele origin: germline.
Comment: This variant is classified as likely benign based on ACMG/AMP sequence variant interpretation guidelines (Richards et al. 2015 PMID: 25741868, with internal and published modifications).

Labcorp Genetics (formerly Invitae), Labcorp
Classification: Likely benign for Leber congenital amaurosis 8; Retinitis pigmentosa 12. Last evaluated: 2025-01-06. Review status: criteria provided, single submitter. Criteria: Invitae Variant Classification Sherloc (09022015). Collection method: clinical testing. Allele origin: germline.

Blueprint Genetics
Classification: Likely benign. Last evaluated: 2024-09-17. Review status: criteria provided, single submitter. Criteria: ACMG Guidelines, 2015. Collection method: clinical testing. Allele origin: germline.

NM_201253.3(CRB1):c.1299T>C (p.Tyr433=)

Gene: CRB1 (crumbs cell polarity complex component 1; plus strand). Cytogenetic location: 1q31.3.
Variant type: single nucleotide variant.
Coding change: c.1299T>C on transcript NM_201253.3 (MANE Select); coding-DNA position 1299, T replaced by C.
Protein change: p.Tyr433=; no amino-acid change (tyrosine 433 retained).
Molecular consequence: synonymous variant. On other transcripts: non-coding transcript variant (2).
Genome position (GRCh38, 1-based): chr1:197,421,127, T>C. VCF-style: chr1-197421127-T-C. GRCh37 (hg19) VCF-style: chr1-197390257-T-C.
Other names: c.963T>C, p.Tyr321= (NM_001193640.2); c.1092T>C, p.Tyr364= (NM_001257965.2); c.1299T>C, p.Tyr433= (NM_001257966.2); c.1299T>C (NM_201253.2).
Identifiers: ClinVar variation 1150478 (VCV001150478.11), dbSNP rs1032057202, ClinGen allele CA35893342.